The following is an entry in ClinVar:

NM_000155.4(GALT):c.752A>G (p.Tyr251Cys)

Gene: GALT (galactose-1-phosphate uridylyltransferase; plus strand). Cytogenetic location: 9p13.3.
Variant type: single nucleotide variant.
Coding change: c.752A>G on transcript NM_000155.4 (MANE Select); coding-DNA position 752, A replaced by G.
Protein change: p.Tyr251Cys; replaces tyrosine 251 with cysteine.
Molecular consequence: missense variant.
Genome position (GRCh38, 1-based): chr9:34,648,826, A>G. VCF-style: chr9-34648826-A-G. GRCh37 (hg19) VCF-style: chr9-34648823-A-G.
Other names: c.425A>G, p.Tyr142Cys (NM_001258332.2); short protein forms Y142C.
Identifiers: ClinVar variation 25253 (VCV000025253.6), dbSNP rs111033755, ClinGen allele CA259489.

ClinVar aggregate classification (germline): Conflicting classifications of pathogenicity. Review status: criteria provided, conflicting classifications (1 of 4 stars). 3 submissions from 3 submitters: Likely pathogenic (1); Uncertain significance (1). 1 of the submissions does not count toward it. Last evaluated 2024-11-01.

Conditions:
Galactosemia. Also called: Galactose intolerance. Identifiers: Orphanet 352, MedGen C0016952, MONDO:0018116, HP:0004919. Disease mechanism: loss of function.
Deficiency of UDPglucose-hexose-1-phosphate uridylyltransferase. Also called: GALACTOSE-1-PHOSPHATE URIDYLYLTRANSFERASE DEFICIENCY; GALT deficiency; Galactosemia, classic; Transferase Deficiency Galactosemia; GALACTOSEMIA I. Identifiers: Orphanet 352, Orphanet 79239, MedGen C0268151, MONDO:0009258, OMIM 230400.

Submissions (3):

Natera, Inc.
Classification: Likely pathogenic for Galactosemia. Last evaluated: 2024-11-01. Review status: criteria provided, single submitter. Criteria: Natera Variant Classification Schema (03/2026). Collection method: clinical testing. Allele origin: germline.
Comment: The c.752A>G variant in GALT is a missense variant predicted to cause substitution of tyrosine to cysteine at amino acid 251. This variant is rare in the general population with a frequency below the threshold expected for the associated phenotype(s). This variant has been observed in one or more individuals affected with the associated recessive disease, as either homozygous or compound heterozygous with a second variant (PMID: 10384398). A different variant at the same position has been determined to be Pathogenic or Likely Pathogenic. Computational prediction algorithms indicate this variant is likely to affect gene or protein function. Given the available evidence, this variant is classified as Likely Pathogenic.

Mayo Clinic Laboratories, Mayo Clinic
Classification: Uncertain significance. Last evaluated: 2024-08-05. Review status: criteria provided, single submitter. Criteria: ACMG Guidelines, 2015. Collection method: clinical testing. Allele origin: germline. Observed: 1 variant allele.
Comment: PP3_moderate, PP4, PM2, PM3_supporting

Counsyl
Classification: Uncertain significance for Deficiency of UDPglucose-hexose-1-phosphate uridylyltransferase. Last evaluated: 2017-05-15. Review status: no assertion criteria provided. Collection method: clinical testing. Allele origin: unknown. Not counted in ClinVar's aggregate classification.

Literature cited by the submitters: PubMed 10384398 (cited by 3 submitters); PubMed 10408771 (cited by Mayo Clinic Laboratories, Mayo Clinic); PubMed 15633893 (cited by Mayo Clinic Laboratories, Mayo Clinic and Counsyl); PubMed 20008339 (cited by Mayo Clinic Laboratories, Mayo Clinic and Counsyl); PubMed 27005423 (cited by Mayo Clinic Laboratories, Mayo Clinic and Counsyl).